The following is an entry in ClinVar:

NM_014244.5(ADAMTS2):c.1383-2A>G

Gene: ADAMTS2 (ADAM metallopeptidase with thrombospondin type 1 motif 2; minus strand). Cytogenetic location: 5q35.3.
Variant type: single nucleotide variant.
Coding change: c.1383-2A>G on transcript NM_014244.5 (MANE Select); the canonical splice acceptor site of the intron before coding-DNA position 1383, A replaced by G.
Molecular consequence: splice acceptor variant.
Genome position (GRCh38, 1-based): chr5:179,153,625, T>C on the plus strand (A>G on the coding strand, the complement: ADAMTS2 is on the minus strand). VCF-style: chr5-179153625-T-C. GRCh37 (hg19) VCF-style: chr5-178580626-T-C.
Other names: c.1383-2A>G (NM_021599.4).
Identifiers: ClinVar variation 841384 (VCV000841384.8), dbSNP rs1336175305, ClinGen allele CA362433063.

ClinVar aggregate classification (germline): Likely pathogenic (1 of 4 stars; one submission).

Conditions:
Ehlers-Danlos syndrome, dermatosparaxis type. Also called: Dermatosparaxis; EDS VIIC; Ehlers-Danlos syndrome, type VII, autosomal recessive. Identifiers: Orphanet 1901, MedGen C2700425, MONDO:0009161, OMIM 225410.

Allele frequency attached by ClinVar (database versions not stated): gnomAD exomes below 0.00001.
gnomAD v4.1: 1 of 1,602,038 alleles (0.000062%); highest among the groups gnomAD compares: Non-Finnish European, 0.000085%; no homozygotes.

Submission:

Labcorp Genetics (formerly Invitae), Labcorp
Classification: Likely pathogenic for Ehlers-Danlos syndrome, dermatosparaxis type. Last evaluated: 2024-01-31. Review status: criteria provided, single submitter. Criteria: Invitae Variant Classification Sherloc (09022015). Collection method: clinical testing. Allele origin: germline.
Comment: This sequence change affects an acceptor splice site in intron 8 of the ADAMTS2 gene. It is expected to disrupt RNA splicing. Variants that disrupt the donor or acceptor splice site typically lead to a loss of protein function (PMID: 16199547), and loss-of-function variants in ADAMTS2 are known to be pathogenic (PMID: 10417273). This variant is not present in population databases (gnomAD no frequency). This variant has not been reported in the literature in individuals affected with ADAMTS2-related conditions. ClinVar contains an entry for this variant (Variation ID: 841384). Algorithms developed to predict the effect of sequence changes on RNA splicing suggest that this variant may disrupt the consensus splice site. In summary, the currently available evidence indicates that the variant is pathogenic, but additional data are needed to prove that conclusively. Therefore, this variant has been classified as Likely Pathogenic.

Literature cited by the submitters: PubMed 16199547; PubMed 10417273.